The following is an entry in ClinVar:

ClinVar aggregate classification (germline): Pathogenic (1 of 4 stars; one submission).

Conditions:
Peroxisome biogenesis disorder. Identifiers: Orphanet 79189, MedGen C1832200, MONDO:0019234. Disease mechanism: loss of function.

Submission:

Myriad Genetics, Inc.
Classification: Pathogenic for Peroxisome biogenesis disorder. Last evaluated: 2025-03-18. Review status: criteria provided, single submitter. Criteria: Myriad Autosomal Dominant, Autosomal Recessive and X-Linked Classification Criteria (2023). Collection method: clinical testing. Allele origin: unknown.
Comment: NM_153818.1(PEX10):c.867_894del28(N290Sfs*65) is a frameshift variant that results in protein elongation classified as pathogenic in the context of peroxisome biogenesis disorder type 6. N290Sfs*65 has not been observed in cases with relevant disease. Relevant functional assessments of this variant are not available in the literature. N290Sfs*65 has not been observed in referenced population frequency databases. In summary, NM_153818.1(PEX10):c.867_894del28(N290Sfs*65) is a frameshift variant that results in protein elongation in a gene where loss of function is a known mechanism of disease and is predicted to disrupt protein function. Please note: this variant was assessed in the context of healthy population screening.

NM_002617.4(PEX10):c.807_834del (p.Asn270fs)

Gene: PEX10 (peroxisomal biogenesis factor 10; minus strand). Cytogenetic location: 1p36.32.
Variant type: Deletion.
Coding change: c.807_834del on transcript NM_002617.4 (MANE Select); coding-DNA positions 807 to 834, 28 bases deleted (AAACCCCCTGTGCACCCTGTGCCTGGAG).
Protein change: p.Asn270fs; shifts the reading frame from asparagine 270.
Molecular consequence: frameshift variant. On other transcripts: non-coding transcript variant (1).
Genome position (GRCh38, 1-based): chr1:2,406,562-2,406,589, CTCCAGGCACAGGGTGCACAGGGGGTTT deleted on the plus strand (AAACCCCCTGTGCACCCTGTGCCTGGAG on the coding strand, the reverse complement: PEX10 is on the minus strand); deleting any 28 consecutive bases within chr1:2,406,562-2,406,591 gives the same sequence; the c. name uses the placement nearest the transcript's 3' end. VCF-style (leftmost placement, unchanged base first): chr1-2406561-CCTCCAGGCACAGGGTGCACAGGGGGTTT-C. GRCh37 (hg19) VCF-style: chr1-2338000-CCTCCAGGCACAGGGTGCACAGGGGGTTT-C.
Other names: c.864_891del, p.Asn289fs (NM_001374425.1); c.432_459del, p.Asn145fs (NM_001374426.1); c.375_402del, p.Asn126fs (NM_001374427.1); c.867_894del, p.Asn290fs (NM_153818.2); short protein forms N126fs, N145fs, N270fs, N289fs, N290fs.
Identifiers: ClinVar variation 4081763 (VCV004081763.1).